The following is an entry in ClinVar:

ClinVar aggregate classification (germline): Uncertain significance. Review status: criteria provided, multiple submitters, no conflicts (2 of 4 stars). 2 submissions from 2 submitters: Uncertain significance (2). Last evaluated 2026-04-01.

Conditions:
GNAS-related disorder. Identifiers: MedGen CN380105.

gnomAD v4.1: 5 of 1,610,454 alleles (0.00031%); highest among the groups gnomAD compares: Non-Finnish European, 0.00025%; no homozygotes.

Submissions (2):

PreventionGenetics, part of Exact Sciences
Classification: Uncertain significance for GNAS-related condition. Last evaluated: 2026-04-01. Review status: criteria provided, single submitter. Criteria: ACMG Guidelines, 2015. Collection method: clinical testing. Allele origin: germline.
Comment: The GNAS c.-2G>A variant is located in the 5' untranslated region. To our knowledge, this variant has not been reported in the literature or in a large population database (gnomAD), indicating this variant is rare. At this time, the clinical significance of this variant is uncertain due to the absence of conclusive functional and genetic evidence.

Blueprint Genetics
Classification: Uncertain significance. Last evaluated: 2017-12-28. Review status: criteria provided, single submitter. Criteria: ACMG Guidelines, 2015. Collection method: clinical testing. Allele origin: germline.

NM_016592.5(GNAS):c.-2G>A

Genes: GNAS (GNAS complex locus; plus strand), GNAS-AS1 (GNAS antisense RNA 1; minus strand). Cytogenetic location: 20q13.32.
Variant type: single nucleotide variant.
Coding change: c.-2G>A on transcript NM_016592.5 (MANE Plus Clinical); 2 bases upstream of the start codon, G replaced by A.
Molecular consequence: 5 prime UTR variant.
Genome position (GRCh38, 1-based): chr20:58,840,105, G>A. VCF-style: chr20-58840105-G-A. GRCh37 (hg19) VCF-style: chr20-57415160-G-A.
Other names: c.-739G>A (NM_001410912.1).
Identifiers: ClinVar variation 4945439 (VCV004945439.2).